The following is an entry in ClinVar:

ClinVar aggregate classification (germline): Uncertain significance (1 of 4 stars; one submission).

Allele frequency attached by ClinVar (database versions not stated): TOPMed 0.00001.

Submission:

CeGaT Center for Human Genetics Tuebingen
Classification: Uncertain significance. Last evaluated: 2023-09-01. Review status: criteria provided, single submitter. Criteria: CeGaT Center For Human Genetics Tuebingen Variant Classification Criteria Version 2. Collection method: clinical testing. Allele origin: germline. Affected: yes. Observed: 1 variant allele.
Comment: ZMYM3: PM2

NM_201599.3(ZMYM3):c.338A>G (p.Glu113Gly)

Gene: ZMYM3 (zinc finger MYM-type containing 3; minus strand). Cytogenetic location: Xq13.1.
Variant type: single nucleotide variant.
Coding change: c.338A>G on transcript NM_201599.3 (MANE Select); coding-DNA position 338, A replaced by G.
Protein change: p.Glu113Gly; replaces glutamic acid 113 with glycine.
Molecular consequence: missense variant.
Genome position (GRCh38, 1-based): chrX:71,252,918, T>C on the plus strand (A>G on the coding strand, the complement: ZMYM3 is on the minus strand). VCF-style: chrX-71252918-T-C. GRCh37 (hg19) VCF-style: chrX-70472768-T-C.
Other names: c.338A>G, p.Glu113Gly (NM_001171162.1, NM_001171163.1, NM_005096.3); short protein forms E113G.
Identifiers: ClinVar variation 2660868 (VCV002660868.24), dbSNP rs1312501178, ClinGen allele CA413529678.
Genomic context (GRCh38, chrX:71,252,918, plus strand): 5'-TTTGCCCCAGCCCCTGGATCAGGTGGTACCACCTCAGGGGTCTGGCCCCCTGGTCCAGGC[T>C]CTAGGGTCTGATCTCCTGCATCCCATGCCAGGGTTCCCTCAGGACCGTGGTCCACCTCCG-3'
Protein context (NP_963893.1, residues 103-123): LAWDAGDQTL[Glu113Gly]PGPGGQTPEV